The following is an entry in ClinVar:

ClinVar aggregate classification (germline): Conflicting classifications of pathogenicity. Review status: criteria provided, conflicting classifications (1 of 4 stars). 4 submissions from 4 submitters: Uncertain significance (1); Likely benign (2). 1 of the submissions does not count toward it. Last evaluated 2025-04-22.

Conditions:
MYO7A-related disorder. Also called: MYO7A-related disorders.

Allele frequency attached by ClinVar (database versions not stated): gnomAD exomes 0.00038; ExAC 0.00045; 1000 Genomes Project 30x 0.00094; gnomAD 0.00095 and 0.00099; TOPMed 0.00105; 1000 Genomes Project 0.00120; ESP Exome Variant Server 0.00121.
gnomAD v4.1: 346 of 1,558,898 alleles (0.022%); highest among the groups gnomAD compares: African/African-American, 0.33%; no homozygotes.

Submissions (4):

GeneDx
Classification: Likely benign. Last evaluated: 2025-04-22. Review status: criteria provided, single submitter. Criteria: GeneDx Variant Classification Process June 2021. Collection method: clinical testing. Allele origin: germline. Affected: yes.
Comment: See Variant Classification Assertion Criteria.

Blueprint Genetics
Classification: Likely benign. Last evaluated: 2024-02-16. Review status: criteria provided, single submitter. Criteria: ACMG Guidelines, 2015. Collection method: clinical testing. Allele origin: germline.

Eurofins Ntd Llc (ga)
Classification: Uncertain significance. Last evaluated: 2014-04-25. Review status: criteria provided, single submitter. Criteria: EGL Classification Definitions 2015. Collection method: clinical testing. Allele origin: germline. Observed: 1 variant allele, 1 heterozygote.

PreventionGenetics, part of Exact Sciences
Classification: Likely benign for MYO7A-related condition. Last evaluated: 2019-09-23. Review status: no assertion criteria provided. Collection method: clinical testing. Allele origin: germline. Not counted in ClinVar's aggregate classification.
Comment: This variant is classified as likely benign based on ACMG/AMP sequence variant interpretation guidelines (Richards et al. 2015 PMID: 25741868, with internal and published modifications).

NM_000260.4(MYO7A):c.*8C>T

Gene: MYO7A (myosin VIIA; plus strand). Cytogenetic location: 11q13.5.
Variant type: single nucleotide variant.
Coding change: c.*8C>T on transcript NM_000260.4 (MANE Select); 8 bases downstream of the stop codon, C replaced by T.
Molecular consequence: 3 prime UTR variant.
Genome position (GRCh38, 1-based): chr11:77,214,704, C>T. VCF-style: chr11-77214704-C-T. GRCh37 (hg19) VCF-style: chr11-76925749-C-T.
Other names: c.*8C>T (NM_001127180.2, NM_001369365.1, NM_000260.3).
Identifiers: ClinVar variation 167315 (VCV000167315.16), dbSNP rs370206645, ClinGen allele CA234296.